The following is an entry in ClinVar:

ClinVar aggregate classification (germline): Uncertain significance (1 of 4 stars; one submission).

Conditions:
CFDP1-related disorder. Also called: CFDP1-related condition.

gnomAD v4.1: 2 of 1,613,316 alleles (0.00012%); highest among the groups gnomAD compares: Non-Finnish European, 0.00017%; no homozygotes.

Submission:

PreventionGenetics, part of Exact Sciences
Classification: Uncertain significance for CFDP1-related condition. Last evaluated: 2025-03-14. Review status: criteria provided, single submitter. Criteria: ACMG Guidelines, 2015. Collection method: clinical testing. Allele origin: germline.
Comment: The CFDP1 c.162G>T variant is predicted to result in the amino acid substitution p.Lys54Asn. To our knowledge, this variant has not been reported in the literature or in a large population database (gnomAD), indicating this variant is rare. At this time, the clinical significance of this variant is uncertain due to the absence of conclusive functional and genetic evidence.

NM_006324.3(CFDP1):c.162G>T (p.Lys54Asn)

Gene: CFDP1 (chromatin remodeling protein CFDP1; minus strand). Cytogenetic location: 16q23.1.
Variant type: single nucleotide variant.
Coding change: c.162G>T on transcript NM_006324.3 (MANE Select); coding-DNA position 162, G replaced by T.
Protein change: p.Lys54Asn; replaces lysine 54 with asparagine.
Molecular consequence: missense variant.
Genome position (GRCh38, 1-based): chr16:75,414,598, C>A on the plus strand (G>T on the coding strand, the complement: CFDP1 is on the minus strand). VCF-style: chr16-75414598-C-A. GRCh37 (hg19) VCF-style: chr16-75448496-C-A.
Other names: short protein forms K54N.
Identifiers: ClinVar variation 4999465 (VCV004999465.1).